The following is an entry in ClinVar:

NM_004082.5(DCTN1):c.920C>G (p.Ala307Gly)

Gene: DCTN1 (dynactin subunit 1; minus strand). Cytogenetic location: 2p13.1.
Variant type: single nucleotide variant.
Coding change: c.920C>G on transcript NM_004082.5 (MANE Select); coding-DNA position 920, C replaced by G.
Protein change: p.Ala307Gly; replaces alanine 307 with glycine.
Molecular consequence: missense variant. On other transcripts: non-coding transcript variant (1).
Genome position (GRCh38, 1-based): chr2:74,370,749, G>C on the plus strand (C>G on the coding strand, the complement: DCTN1 is on the minus strand). VCF-style: chr2-74370749-G-C. GRCh37 (hg19) VCF-style: chr2-74597876-G-C.
Other names: c.860C>G, p.Ala287Gly (NM_001135040.3); c.518C>G, p.Ala173Gly (NM_001135041.3, NM_023019.4); c.809C>G, p.Ala270Gly (NM_001190836.2); c.899C>G, p.Ala300Gly (NM_001190837.2); c.869C>G, p.Ala290Gly (NM_001378991.1); c.851C>G, p.Ala284Gly (NM_001378992.1); short protein forms A173G, A290G, A287G, A284G, A300G, A270G, A307G.
Identifiers: ClinVar variation 1506729 (VCV001506729.12), dbSNP rs759253635, ClinGen allele CA1722282.
Genomic context (GRCh38, chr2:74,370,749, plus strand): 5'-GCCTCCACCTCCTGCTGCAGGGACTCAGCCCGCTCTTCAGCCATCTCCTTGTCCAAAGTG[G>C]CCATCTCAATGGCATCAGCAGTATCAGCCATCTCCTCCATATAGCGTTCCTTTGCCTCCA-3'
Protein context (NP_004073.2, residues 297-317): MADTADAIEM[Ala307Gly]TLDKEMAEER

ClinVar aggregate classification (germline): Uncertain significance. Review status: criteria provided, multiple submitters, no conflicts (2 of 4 stars). 2 submissions from 2 submitters: Uncertain significance (2). Last evaluated 2026-03-01.

Conditions:
Amyotrophic lateral sclerosis type 1 (ALS1). Also called: AMYOTROPHIC LATERAL SCLEROSIS 1, FAMILIAL. Identifiers: Orphanet 803, MedGen C1862939, MONDO:0007103, OMIM 105400.
Neuronopathy, distal hereditary motor, type 7B. Also called: Distal Hereditary Motor Neuronopathy Type 7B (dHMN7B); HMN VIIB; LOWER MOTOR NEURON DISEASE, DYNACTIN TYPE; NEURONOPATHY, DISTAL HEREDITARY MOTOR, AUTOSOMAL DOMINANT 14; NEURONOPATHY, DISTAL HEREDITARY MOTOR, HARDING TYPE VIIB; NEUROPATHY, DISTAL HEREDITARY MOTOR, HARDING TYPE VIIB. Identifiers: Orphanet 139589, MedGen C1843315, MONDO:0011879, OMIM 607641.
Perry syndrome. Also called: PARKINSONISM WITH ALVEOLAR HYPOVENTILATION AND MENTAL DEPRESSION. Identifiers: Orphanet 178509, MedGen C1868594, MONDO:0008201, OMIM 168605.

Allele frequency attached by ClinVar (database versions not stated): gnomAD exomes below 0.00001; ExAC 0.00001.
gnomAD v4.1: 1 of 1,614,172 alleles (0.000062%); highest among the groups gnomAD compares: Admixed American, 0.0017%; no homozygotes.

Submissions (2):

CeGaT Center for Human Genetics Tuebingen
Classification: Uncertain significance. Last evaluated: 2026-03-01. Review status: criteria provided, single submitter. Criteria: CeGaT Center For Human Genetics Tuebingen Variant Classification Criteria Version 2. Collection method: clinical testing. Allele origin: germline. Affected: yes. Observed: 1 variant allele.
Comment: DCTN1: PM2:Supporting, PP3

Labcorp Genetics (formerly Invitae), Labcorp
Classification: Uncertain significance for Amyotrophic lateral sclerosis type 1; Neuronopathy, distal hereditary motor, type 7B; Perry syndrome. Last evaluated: 2021-02-02. Review status: criteria provided, single submitter. Criteria: Invitae Variant Classification Sherloc (09022015). Collection method: clinical testing. Allele origin: germline.
Comment: In summary, the available evidence is currently insufficient to determine the role of this variant in disease. Therefore, it has been classified as a Variant of Uncertain Significance. Algorithms developed to predict the effect of missense changes on protein structure and function (SIFT, PolyPhen-2, Align-GVGD) all suggest that this variant is likely to be disruptive, but these predictions have not been confirmed by published functional studies and their clinical significance is uncertain. This variant has not been reported in the literature in individuals with DCTN1-related conditions. This variant is present in population databases (rs759253635, ExAC 0.009%). This sequence change replaces alanine with glycine at codon 307 of the DCTN1 protein (p.Ala307Gly). The alanine residue is highly conserved and there is a small physicochemical difference between alanine and glycine.